The following is an entry in ClinVar:

NM_000195.5(HPS1):c.316C>T (p.Arg106Trp)

Gene: HPS1 (HPS1 biogenesis of lysosomal organelles complex 3 subunit 1; minus strand). Cytogenetic location: 10q24.2.
Variant type: single nucleotide variant.
Coding change: c.316C>T on transcript NM_000195.5 (MANE Select); coding-DNA position 316, C replaced by T.
Protein change: p.Arg106Trp; replaces arginine 106 with tryptophan.
Molecular consequence: missense variant. On other transcripts: 5 prime UTR variant (2), intron variant (7).
Genome position (GRCh38, 1-based): chr10:98,435,354, G>A on the plus strand (C>T on the coding strand, the complement: HPS1 is on the minus strand). VCF-style: chr10-98435354-G-A. GRCh37 (hg19) VCF-style: chr10-100195111-G-A.
Other names: c.316C>T (NM_000195.3); c.-601C>T (NM_001311345.2); c.316C>T, p.Arg106Trp (NM_001322476.2, NM_001322477.2, NM_001322478.2 and 5 more transcripts); c.-700C>T (NM_001322487.2); c.29+281C>T (NM_001322483.2, NM_001322485.2, NM_001322484.2); c.255+281C>T (NM_001322480.2, NM_001322482.2, NM_001322481.2); c.-519+281C>T (NM_001322489.2); short protein forms R106W.
Identifiers: ClinVar variation 1479929 (VCV001479929.9), dbSNP rs376557022, ClinGen allele CA5639433.

ClinVar aggregate classification (germline): Uncertain significance. Review status: criteria provided, multiple submitters, no conflicts (2 of 4 stars). 4 submissions from 4 submitters: Uncertain significance (4). Last evaluated 2025-05-05.

Conditions:
Hermansky-Pudlak syndrome 1 (HPS1). Also called: DELTA STORAGE POOL DISEASE. Identifiers: Orphanet 231500, Orphanet 79430, MedGen C2931875, MONDO:0008748, OMIM 203300.
Inborn genetic diseases. Identifiers: MedGen C0950123, MeSH D030342.

Allele frequency attached by ClinVar (database versions not stated): gnomAD exomes 0.00010.

Submissions (4):

Labcorp Genetics (formerly Invitae), Labcorp
Classification: Uncertain significance. Last evaluated: 2025-05-05. Review status: criteria provided, single submitter. Criteria: Invitae Variant Classification Sherloc (09022015). Collection method: clinical testing. Allele origin: germline.
Comment: This sequence change replaces arginine, which is basic and polar, with tryptophan, which is neutral and slightly polar, at codon 106 of the HPS1 protein (p.Arg106Trp). This variant is present in population databases (rs376557022, gnomAD 0.01%). This variant has not been reported in the literature in individuals affected with HPS1-related conditions. ClinVar contains an entry for this variant (Variation ID: 1479929). Invitae Evidence Modeling of protein sequence and biophysical properties (such as structural, functional, and spatial information, amino acid conservation, physicochemical variation, residue mobility, and thermodynamic stability) indicates that this missense variant is not expected to disrupt HPS1 protein function with a negative predictive value of 95%. This variant disrupts the p.Arg106 amino acid residue in HPS1. Other variant(s) that disrupt this residue have been determined to be pathogenic (PMID: 27593200). This suggests that this residue is clinically significant, and that variants that disrupt this residue are likely to be disease-causing. In summary, the available evidence is currently insufficient to determine the role of this variant in disease. Therefore, it has been classified as a Variant of Uncertain Significance.

Fulgent Genetics
Classification: Uncertain significance for Hermansky-Pudlak syndrome 1. Last evaluated: 2024-02-27. Review status: criteria provided, single submitter. Criteria: ACMG Guidelines, 2015. Collection method: clinical testing. Allele origin: germline.

Department of Pathology and Laboratory Medicine, Sinai Health System
Classification: Uncertain significance for Hermansky-Pudlak syndrome 1. Last evaluated: 2022-03-12. Review status: criteria provided, single submitter. Criteria: ACMG Guidelines, 2015. Collection method: research. Allele origin: germline.

Ambry Genetics
Classification: Uncertain significance for Inborn genetic diseases. Last evaluated: 2021-08-02. Review status: criteria provided, single submitter. Criteria: Ambry Variant Classification Scheme 2023. Collection method: clinical testing. Allele origin: germline.

Literature cited by the submitters: PubMed 27593200 (cited by Labcorp Genetics (formerly Invitae), Labcorp).